The following is an entry in ClinVar:

ClinVar aggregate classification (germline): Uncertain significance (1 of 4 stars; one submission).

gnomAD v4.1: 2 of 1,614,118 alleles (0.00012%); highest among the groups gnomAD compares: Non-Finnish European, 0.00017%; no homozygotes.

Submission:

Labcorp Genetics (formerly Invitae), Labcorp
Classification: Uncertain significance. Last evaluated: 2024-12-20. Review status: criteria provided, single submitter. Criteria: Invitae Variant Classification Sherloc (09022015). Collection method: clinical testing. Allele origin: germline.
Comment: This sequence change replaces asparagine, which is neutral and polar, with serine, which is neutral and polar, at codon 404 of the DUOX2 protein (p.Asn404Ser). This variant is not present in population databases (gnomAD no frequency). This variant has not been reported in the literature in individuals affected with DUOX2-related conditions. Invitae Evidence Modeling of protein sequence and biophysical properties (such as structural, functional, and spatial information, amino acid conservation, physicochemical variation, residue mobility, and thermodynamic stability) indicates that this missense variant is not expected to disrupt DUOX2 protein function with a negative predictive value of 80%. In summary, the available evidence is currently insufficient to determine the role of this variant in disease. Therefore, it has been classified as a Variant of Uncertain Significance.

NM_001363711.2(DUOX2):c.1211A>G (p.Asn404Ser)

Gene: DUOX2 (dual oxidase 2; minus strand). Cytogenetic location: 15q21.1.
Variant type: single nucleotide variant.
Coding change: c.1211A>G on transcript NM_001363711.2 (MANE Select); coding-DNA position 1211, A replaced by G.
Protein change: p.Asn404Ser; replaces asparagine 404 with serine.
Molecular consequence: missense variant.
Genome position (GRCh38, 1-based): chr15:45,109,547, T>C on the plus strand (A>G on the coding strand, the complement: DUOX2 is on the minus strand). VCF-style: chr15-45109547-T-C. GRCh37 (hg19) VCF-style: chr15-45401745-T-C.
Other names: c.1211A>G, p.Asn404Ser (NM_014080.5); short protein forms N404S.
Identifiers: ClinVar variation 3719453 (VCV003719453.2).
Genomic context (GRCh38, chr15:45,109,547, plus strand): 5'-GTCCCTTACCATCCACCCCTTCTGGCTCTGAGCTCACCCCTCAGATCTTCAACCACTATG[T>C]TGTCCTCCAACTCCGAAATCTGGGAGGCCATTCCCAGCAGCAGCTCATTCACCTCCTGGG-3'
Protein context (NP_001350640.1, residues 394-414): MASQISELED[Asn404Ser]IVVEDLRDYW